The following is an entry in ClinVar:

ClinVar aggregate classification (germline): Uncertain significance. Review status: criteria provided, multiple submitters, no conflicts (2 of 4 stars). 2 submissions from 2 submitters: Uncertain significance (2). Last evaluated 2024-11-28.

Conditions:
Inborn genetic diseases. Identifiers: MedGen C0950123, MeSH D030342.

gnomAD v4.1: 9 of 1,614,226 alleles (0.00056%); highest among the groups gnomAD compares: Non-Finnish European, 0.00076%; no homozygotes.

Submissions (2):

Ambry Genetics
Classification: Uncertain significance for Inborn genetic diseases. Last evaluated: 2024-11-28. Review status: criteria provided, single submitter. Criteria: Ambry Variant Classification Scheme 2023. Collection method: clinical testing. Allele origin: germline.
Comment: The p.Q327H variant (also known as c.981A>T), located in coding exon 3 of the MBD4 gene, results from an A to T substitution at nucleotide position 981. The glutamine at codon 327 is replaced by histidine, an amino acid with highly similar properties. This amino acid position is conserved. In addition, the in silico prediction for this alteration is inconclusive. Based on the available evidence, the clinical significance of this variant remains unclear.

Labcorp Genetics (formerly Invitae), Labcorp
Classification: Uncertain significance. Last evaluated: 2024-04-15. Review status: criteria provided, single submitter. Criteria: Invitae Variant Classification Sherloc (09022015). Collection method: clinical testing. Allele origin: germline.
Comment: This sequence change replaces glutamine, which is neutral and polar, with histidine, which is basic and polar, at codon 327 of the MBD4 protein (p.Gln327His). This variant is present in population databases (no rsID available, gnomAD 0.0009%). This variant has not been reported in the literature in individuals affected with MBD4-related conditions. An algorithm developed to predict the effect of missense changes on protein structure and function (PolyPhen-2) suggests that this variant is likely to be disruptive. In summary, the available evidence is currently insufficient to determine the role of this variant in disease. Therefore, it has been classified as a Variant of Uncertain Significance.

NM_001276270.2(MBD4):c.981A>T (p.Gln327His)

Gene: MBD4 (methyl-CpG binding domain 4, DNA glycosylase; minus strand). Cytogenetic location: 3q21.3.
Variant type: single nucleotide variant.
Coding change: c.981A>T on transcript NM_001276270.2 (MANE Select); coding-DNA position 981, A replaced by T.
Protein change: p.Gln327His; replaces glutamine 327 with histidine.
Molecular consequence: missense variant. On other transcripts: intron variant (1).
Genome position (GRCh38, 1-based): chr3:129,436,663, T>A on the plus strand (A>T on the coding strand, the complement: MBD4 is on the minus strand). VCF-style: chr3-129436663-T-A. GRCh37 (hg19) VCF-style: chr3-129155506-T-A.
Other names: c.981A>T, p.Gln327His (NM_001276271.2, NM_001276272.2, NM_003925.3); c.247+1145A>T (NM_001276273.2); short protein forms Q327H.
Identifiers: ClinVar variation 3543785 (VCV003543785.3).